The following is an entry in ClinVar:

ClinVar aggregate classification (germline): Pathogenic (1 of 4 stars; one submission).

Submission:

Labcorp Genetics (formerly Invitae), Labcorp
Classification: Pathogenic. Last evaluated: 2023-02-08. Review status: criteria provided, single submitter. Criteria: Invitae Variant Classification Sherloc (09022015). Collection method: clinical testing. Allele origin: germline.
Comment: This sequence change creates a premature translational stop signal (p.Lys1276*) in the POLE gene. It is expected to result in an absent or disrupted protein product. Loss-of-function variants in POLE are known to be pathogenic (PMID: 23230001, 25948378, 30503519). This variant is not present in population databases (gnomAD no frequency). This variant has not been reported in the literature in individuals affected with POLE-related conditions. For these reasons, this variant has been classified as Pathogenic.

Literature cited by the submitters: PubMed 23230001; PubMed 25948378; PubMed 30503519.

NM_006231.4(POLE):c.3826A>T (p.Lys1276Ter)

Gene: POLE (DNA polymerase epsilon, catalytic subunit; minus strand). Cytogenetic location: 12q24.33.
Variant type: single nucleotide variant.
Coding change: c.3826A>T on transcript NM_006231.4 (MANE Select); coding-DNA position 3826, A replaced by T.
Protein change: p.Lys1276Ter; replaces lysine 1276 with a stop codon.
Molecular consequence: nonsense.
Genome position (GRCh38, 1-based): chr12:132,649,485, T>A on the plus strand (A>T on the coding strand, the complement: POLE is on the minus strand). VCF-style: chr12-132649485-T-A. GRCh37 (hg19) VCF-style: chr12-133226071-T-A.
Other names: short protein forms K1276*.
Identifiers: ClinVar variation 2835494 (VCV002835494.3), dbSNP rs2138609765, ClinGen allele CA387385564.